The following is an entry in ClinVar:

ClinVar aggregate classification (germline): Conflicting classifications of pathogenicity. Review status: criteria provided, conflicting classifications (1 of 4 stars). 3 submissions from 3 submitters: Likely pathogenic (1); Uncertain significance (1). 1 of the submissions does not count toward it. Last evaluated 2021-04-13.

Conditions:
Intellectual developmental disorder with seizures and language delay (IDDSELD). Identifiers: MedGen C5436574, MONDO:0033559, OMIM 619000.

Submissions (3):

SIB Swiss Institute of Bioinformatics
Classification: Likely pathogenic for Intellectual developmental disorder with seizures and language delay. Last evaluated: 2021-04-13. Review status: criteria provided, single submitter. Criteria: ACMG Guidelines, 2015. Collection method: curation. Allele origin: unknown.
Comment: This variant is interpreted as likely pathogenic for Intellectual developmental disorder with seizures and language delay, autosomal dominant. The following ACMG Tag(s) were applied: Absent from controls (or at extremely low frequency if recessive) in Exome Sequencing Project, 1000 Genomes Project, or Exome Aggregation Consortium (PM2); De novo (paternity and maternity confirmed) (PS2); Multiple lines of computational evidence support a deleterious effect on the gene or gene product (PP3); Missense variant in a gene that has a low rate of benign missense variation and in which missense variants are a common mechanism of disease (PP2).

Blueprint Genetics
Classification: Uncertain significance. Last evaluated: 2018-12-21. Review status: criteria provided, single submitter. Criteria: ACMG Guidelines, 2015. Collection method: clinical testing. Allele origin: germline.

OMIM
Classification: Pathogenic for INTELLECTUAL DEVELOPMENTAL DISORDER WITH SEIZURES AND LANGUAGE DELAY. Last evaluated: 2023-01-23. Review status: no assertion criteria provided. Collection method: literature only. Allele origin: germline. Not counted in ClinVar's aggregate classification.

Literature cited by the submitters: PubMed 32546566 (cited by SIB Swiss Institute of Bioinformatics and OMIM).

NM_001353345.2(SETD1B):c.5833T>C (p.Phe1945Leu)

Gene: SETD1B (SET domain containing 1B, histone lysine methyltransferase; plus strand). Cytogenetic location: 12q24.31.
Variant type: single nucleotide variant.
Coding change: c.5833T>C on transcript NM_001353345.2 (MANE Select); coding-DNA position 5833, T replaced by C.
Protein change: p.Phe1945Leu; replaces phenylalanine 1945 with leucine.
Molecular consequence: missense variant.
Genome position (GRCh38, 1-based): chr12:121,830,171, T>C. VCF-style: chr12-121830171-T-C. GRCh37 (hg19) VCF-style: chr12-122268077-T-C.
Other names: F1945L.
Identifiers: ClinVar variation 977482 (VCV000977482.9), dbSNP rs1877026127, ClinGen allele CA387006171.